The following is an entry in ClinVar:

NM_004360.5(CDH1):c.602_603del (p.Pro201fs)

Gene: CDH1 (cadherin 1; plus strand). Cytogenetic location: 16q22.1.
Variant type: Deletion.
Coding change: c.602_603del on transcript NM_004360.5 (MANE Select); coding-DNA positions 602 to 603, 2 bases deleted (CT; older notation c.602_603delCT).
Protein change: p.Pro201fs; shifts the reading frame from proline 201.
Molecular consequence: frameshift variant. On other transcripts: 5 prime UTR variant (2).
Genome position (GRCh38, 1-based): chr16:68,808,763-68,808,764, CT deleted. VCF-style (leftmost placement, unchanged base first): chr16-68808762-CCT-C. GRCh37 (hg19) VCF-style: chr16-68842665-CCT-C.
Other names: c.602_603del, p.Pro201fs (NM_001317184.2); c.-1014_-1013del (NM_001317185.2); c.-1218_-1217del (NM_001317186.2); short protein forms P201fs.
Identifiers: ClinVar variation 2137843 (VCV002137843.11), dbSNP rs2543915988, ClinGen allele CA2580091933.

ClinVar aggregate classification (germline): Pathogenic/Likely pathogenic. Review status: criteria provided, multiple submitters, no conflicts (2 of 4 stars). 5 submissions from 5 submitters: Pathogenic (4); Likely pathogenic (1). Last evaluated 2025-11-21.

Conditions:
Hereditary cancer-predisposing syndrome. Also called: Tumor predisposition; Hereditary Cancer Syndrome; Hereditary neoplastic syndrome; Neoplastic Syndromes, Hereditary. Identifiers: Orphanet 140162, MedGen C0027672, MeSH D009386, MONDO:0015356.
Hereditary diffuse gastric adenocarcinoma (HDGC). Also called: DIFFUSE GASTRIC AND LOBULAR BREAST CANCER SYNDROME. Identifiers: Orphanet 26106, MedGen C1708349, MONDO:0007648, OMIM 137215.

Submissions (5):

Ambry Genetics
Classification: Pathogenic for Hereditary cancer-predisposing syndrome. Last evaluated: 2025-11-21. Review status: criteria provided, single submitter. Criteria: Ambry Variant Classification Scheme 2023. Collection method: clinical testing. Allele origin: germline.
Comment: The c.602_603delCT pathogenic mutation, located in coding exon 5 of the CDH1 gene, results from a deletion of two nucleotides at nucleotide positions 602 to 603, causing a translational frameshift with a predicted alternate stop codon (p.P201Rfs*7). This variant was reported in individual(s) with features consistent with CDH1-related diffuse gastric and lobular breast cancer (DGLBC) (Bardram L et al. Fam Cancer, 2014 Jun;13:231-42). This variant is considered to be rare based on population cohorts in the Genome Aggregation Database (gnomAD).This alteration is expected to result in loss of function by premature protein truncation or nonsense-mediated mRNA decay. As such, this alteration is interpreted as a disease-causing mutation.

Department of Clinical Genetics, Copenhagen University Hospital, Rigshospitalet
Classification: Pathogenic for Hereditary diffuse gastric adenocarcinoma. Last evaluated: 2025-01-10. Review status: criteria provided, single submitter. Criteria: ACMG Guidelines, 2015. Collection method: clinical testing. Allele origin: germline. Affected: yes.
Comment: The following ACMG criteria was used: PVS1; PM2_SUP; PP1

Labcorp Genetics (formerly Invitae), Labcorp
Classification: Pathogenic for Hereditary diffuse gastric adenocarcinoma. Last evaluated: 2023-12-17. Review status: criteria provided, single submitter. Criteria: Invitae Variant Classification Sherloc (09022015). Collection method: clinical testing. Allele origin: germline.
Comment: This sequence change creates a premature translational stop signal (p.Pro201Argfs*7) in the CDH1 gene. It is expected to result in an absent or disrupted protein product. Loss-of-function variants in CDH1 are known to be pathogenic (PMID: 15235021, 20373070). This variant is not present in population databases (gnomAD no frequency). This premature translational stop signal has been observed in individual(s) with hereditary diffuse gastric cancer (PMID: 24389957). It has also been observed to segregate with disease in related individuals. ClinVar contains an entry for this variant (Variation ID: 2137843). For these reasons, this variant has been classified as Pathogenic.

Myriad Genetics, Inc.
Classification: Pathogenic for Hereditary diffuse gastric adenocarcinoma. Last evaluated: 2023-06-09. Review status: criteria provided, single submitter. Criteria: Myriad Autosomal Dominant, Autosomal Recessive and X-Linked Classification Criteria (2023). Collection method: clinical testing. Allele origin: unknown.
Comment: This variant is considered pathogenic. This variant creates a frameshift predicted to result in premature protein truncation.

Revvity Omics, Revvity
Classification: Likely pathogenic. Last evaluated: 2022-03-15. Review status: criteria provided, single submitter. Criteria: ACMG Guidelines, 2015. Collection method: clinical testing. Allele origin: germline.

Literature cited by the submitters: PubMed 24389957 (cited by 3 submitters); PubMed 15235021 (cited by Labcorp Genetics (formerly Invitae), Labcorp); PubMed 20373070 (cited by Labcorp Genetics (formerly Invitae), Labcorp).